The following is an entry in ClinVar:

ClinVar aggregate classification (germline): Benign/Likely benign. Review status: criteria provided, multiple submitters, no conflicts (2 of 4 stars). 4 submissions from 4 submitters: Benign (1); Likely benign (3). Last evaluated 2026-01-28.

Allele frequency attached by ClinVar (database versions not stated): gnomAD exomes 0.00004 and 0.00011; ExAC 0.00013; 1000 Genomes Project 30x 0.00016; 1000 Genomes Project 0.00020; gnomAD 0.00030 and 0.00034; TOPMed 0.00036; ESP Exome Variant Server 0.00046.
gnomAD v4.1: 110 of 1,599,538 alleles (0.0069%); highest among the groups gnomAD compares: African/African-American, 0.11%; no homozygotes.

Submissions (4):

Labcorp Genetics (formerly Invitae), Labcorp
Classification: Benign. Last evaluated: 2026-01-28. Review status: criteria provided, single submitter. Criteria: Invitae Variant Classification Sherloc (09022015). Collection method: clinical testing. Allele origin: germline.

Center for Genomic Medicine, Rigshospitalet, Copenhagen University Hospital
Classification: Likely benign. Last evaluated: 2025-03-04. Review status: criteria provided, single submitter. Criteria: ACMG Guidelines, 2015. Collection method: clinical testing. Allele origin: germline.

Blueprint Genetics
Classification: Likely benign. Last evaluated: 2024-04-11. Review status: criteria provided, single submitter. Criteria: ACMG Guidelines, 2015. Collection method: clinical testing. Allele origin: germline.

GeneDx
Classification: Likely benign. Last evaluated: 2017-10-23. Review status: criteria provided, single submitter. Criteria: GeneDx Variant Classification (06012015). Collection method: clinical testing. Allele origin: germline. Affected: yes.
Comment: This variant is considered likely benign or benign based on one or more of the following criteria: it is a conservative change, it occurs at a poorly conserved position in the protein, it is predicted to be benign by multiple in silico algorithms, and/or has population frequency not consistent with disease.

NM_006231.4(POLE):c.1359+19G>A

Gene: POLE (DNA polymerase epsilon, catalytic subunit; minus strand). Cytogenetic location: 12q24.33.
Variant type: single nucleotide variant.
Coding change: c.1359+19G>A on transcript NM_006231.4 (MANE Select); 19 bases into the intron after coding-DNA position 1359, G replaced by A.
Molecular consequence: intron variant.
Genome position (GRCh38, 1-based): chr12:132,673,556, C>T on the plus strand (G>A on the coding strand, the complement: POLE is on the minus strand). VCF-style: chr12-132673556-C-T. GRCh37 (hg19) VCF-style: chr12-133250142-C-T.
Identifiers: ClinVar variation 382309 (VCV000382309.16), dbSNP rs375000942, ClinGen allele CA6893992.